The following is an entry in ClinVar:

ClinVar aggregate classification (germline): Uncertain significance (1 of 4 stars; one submission).

Conditions:
Congenital glucose-galactose malabsorption (GGM). Also called: MONOSACCHARIDE MALABSORPTION; DIARRHEA 16. Identifiers: Orphanet 35710, MedGen C0268186, MONDO:0011731, OMIM 606824.

Allele frequency attached by ClinVar (database versions not stated): TOPMed below 0.00001.

Submission:

Labcorp Genetics (formerly Invitae), Labcorp
Classification: Uncertain significance for Congenital glucose-galactose malabsorption. Last evaluated: 2024-07-01. Review status: criteria provided, single submitter. Criteria: Invitae Variant Classification Sherloc (09022015). Collection method: clinical testing. Allele origin: germline.
Comment: This sequence change replaces methionine, which is neutral and non-polar, with leucine, which is neutral and non-polar, at codon 391 of the SLC5A1 protein (p.Met391Leu). This variant is not present in population databases (gnomAD no frequency). This variant has not been reported in the literature in individuals affected with SLC5A1-related conditions. ClinVar contains an entry for this variant (Variation ID: 1020156). Advanced modeling of protein sequence and biophysical properties (such as structural, functional, and spatial information, amino acid conservation, physicochemical variation, residue mobility, and thermodynamic stability) performed at Invitae indicates that this missense variant is not expected to disrupt SLC5A1 protein function with a negative predictive value of 80%. In summary, the available evidence is currently insufficient to determine the role of this variant in disease. Therefore, it has been classified as a Variant of Uncertain Significance.

NM_000343.4(SLC5A1):c.1171A>C (p.Met391Leu)

Gene: SLC5A1 (solute carrier family 5 member 1; plus strand). Cytogenetic location: 22q12.3.
Variant type: single nucleotide variant.
Coding change: c.1171A>C on transcript NM_000343.4 (MANE Select); coding-DNA position 1171, A replaced by C.
Protein change: p.Met391Leu; replaces methionine 391 with leucine.
Molecular consequence: missense variant.
Genome position (GRCh38, 1-based): chr22:32,091,653, A>C. VCF-style: chr22-32091653-A-C. GRCh37 (hg19) VCF-style: chr22-32487640-A-C.
Other names: c.790A>C, p.Met264Leu (NM_001256314.2); short protein forms M264L, M391L.
Identifiers: ClinVar variation 1020156 (VCV001020156.8), dbSNP rs1359279768, ClinGen allele CA411308726.
Genomic context (GRCh38, chr22:32,091,653, plus strand): 5'-AAAAATCCTTCTCTTCCAGGACTGCGAGGCCTGATGCTATCAGTCATGCTGGCCTCCCTC[A>C]TGAGCTCCCTGACCTCCATCTTCAACAGCGCCAGCACCCTCTTCACCATGGACATCTACG-3'
Protein context (NP_000334.1, residues 381-401): LMLSVMLASL[Met391Leu]SSLTSIFNSA